The following is an entry in ClinVar:

NM_002432.3(MNDA):c.1136G>A (p.Arg379His)

Gene: MNDA (myeloid cell nuclear differentiation antigen; plus strand). Cytogenetic location: 1q23.1.
Variant type: single nucleotide variant.
Coding change: c.1136G>A on transcript NM_002432.3 (MANE Select); coding-DNA position 1136, G replaced by A.
Protein change: p.Arg379His; replaces arginine 379 with histidine.
Molecular consequence: missense variant.
Genome position (GRCh38, 1-based): chr1:158,847,876, G>A. VCF-style: chr1-158847876-G-A. GRCh37 (hg19) VCF-style: chr1-158817666-G-A.
Other names: short protein forms R379H.
Identifiers: ClinVar variation 1729800 (VCV001729800.3), dbSNP rs146787746, ClinGen allele CA1185807.

ClinVar aggregate classification (germline): Uncertain significance (1 of 4 stars; one submission).

Allele frequency attached by ClinVar (database versions not stated): 1000 Genomes Project 0.00060; 1000 Genomes Project 30x 0.00062; gnomAD 0.00125; TOPMed 0.00148; ESP Exome Variant Server 0.00154.
gnomAD v4.1: 371 of 1,613,898 alleles (0.023%); highest among the groups gnomAD compares: African/African-American, 0.39%; 3 homozygotes.

Submission:

Ambry Genetics
Classification: Uncertain significance. Last evaluated: 2024-09-25. Review status: criteria provided, single submitter. Criteria: Ambry Variant Classification Scheme 2023. Collection method: clinical testing. Allele origin: germline.
Comment: The p.R379H variant (also known as c.1136G>A), located in coding exon 5 of the MNDA gene, results from a G to A substitution at nucleotide position 1136. The arginine at codon 379 is replaced by histidine, an amino acid with highly similar properties. This amino acid position is conserved. In addition, this alteration is predicted to be tolerated by in silico analysis. Since supporting evidence is limited at this time, the clinical significance of this alteration remains unclear.